The following is an entry in ClinVar:

NM_201384.3(PLEC):c.4210C>T (p.Arg1404Trp)

Gene: PLEC (plectin; minus strand). Cytogenetic location: 8q24.3.
Variant type: single nucleotide variant.
Coding change: c.4210C>T on transcript NM_201384.3 (MANE Select); coding-DNA position 4210, C replaced by T.
Protein change: p.Arg1404Trp; replaces arginine 1404 with tryptophan.
Molecular consequence: missense variant.
Genome position (GRCh38, 1-based): chr8:143,925,719, G>A on the plus strand (C>T on the coding strand, the complement: PLEC is on the minus strand). VCF-style: chr8-143925719-G-A. GRCh37 (hg19) VCF-style: chr8-144999887-G-A.
Other names: c.4291C>T, p.Arg1431Trp (NM_000445.5); c.4168C>T, p.Arg1390Trp (NM_201378.4); c.4144C>T, p.Arg1382Trp (NM_201379.3); c.4621C>T, p.Arg1541Trp (NM_201380.4); c.4114C>T, p.Arg1372Trp (NM_201381.3); c.4210C>T, p.Arg1404Trp (NM_201382.4); c.4222C>T, p.Arg1408Trp (NM_201383.3); short protein forms R1408W, R1541W, R1382W, R1390W, R1431W, R1372W, R1404W.
Identifiers: ClinVar variation 651142 (VCV000651142.51), dbSNP rs782370378, ClinGen allele CA4926739.

ClinVar aggregate classification (germline): Uncertain significance. Review status: criteria provided, multiple submitters, no conflicts (2 of 4 stars). 4 submissions from 4 submitters: Uncertain significance (4). Last evaluated 2025-01-06.

Conditions:
PLEC-related disorder. Also called: PLEC-related condition; PLEC-related disorders.
Autosomal recessive limb-girdle muscular dystrophy type 2Q (LGMDR17). Also called: MUSCULAR DYSTROPHY, LIMB-GIRDLE, AUTOSOMAL RECESSIVE 17. Identifiers: Orphanet 254361, MedGen C3150989, MONDO:0013390, OMIM 613723.
Epidermolysis bullosa simplex with nail dystrophy (EBS5D). Identifiers: MedGen C4225309, MONDO:0014661, OMIM 616487.
Epidermolysis bullosa simplex 5B, with muscular dystrophy (EBS5B). Also called: Epidermolysis bullosa simplex with muscular dystrophy; EPIDERMOLYSIS BULLOSA SIMPLEX AND LIMB-GIRDLE MUSCULAR DYSTROPHY. Identifiers: Orphanet 257, MedGen C2931072, MONDO:0009181, OMIM 226670.
Epidermolysis bullosa simplex, Ogna type (EBS5A). Also called: EPIDERMOLYSIS BULLOSA SIMPLEX 5A, OGNA TYPE; Pidermolysis bullosa simplex 5A, Ogna type. Identifiers: Orphanet 79401, MedGen C0432317, MONDO:0007555, OMIM 131950.
Epidermolysis bullosa simplex 5C, with pyloric atresia (EBS5C). Also called: PLEC-Related Epidermolysis Bullosa with Pyloric Atresia; PLEC1-Related Epidermolysis Bullosa with Pyloric Atresia; Epidermolysis bullosa simplex with pyloric atresia. Identifiers: Orphanet 158684, MedGen C2677349, MONDO:0012807, OMIM 612138.

Allele frequency attached by ClinVar (database versions not stated): gnomAD 0.00001; TOPMed 0.00003; gnomAD exomes 0.00004 and 0.00005; ExAC 0.00007.
gnomAD v4.1: 55 of 1,595,266 alleles (0.0034%); highest among the groups gnomAD compares: East Asian, 0.025%; no homozygotes.

Submissions (4):

Labcorp Genetics (formerly Invitae), Labcorp
Classification: Uncertain significance for Autosomal recessive limb-girdle muscular dystrophy type 2Q; Epidermolysis bullosa simplex, Ogna type; Epidermolysis bullosa simplex with nail dystrophy; Epidermolysis bullosa simplex 5C, with pyloric atresia; Epidermolysis bullosa simplex 5B, with muscular dystrophy. Last evaluated: 2025-01-06. Review status: criteria provided, single submitter. Criteria: Invitae Variant Classification Sherloc (09022015). Collection method: clinical testing. Allele origin: germline.
Comment: This sequence change replaces arginine, which is basic and polar, with tryptophan, which is neutral and slightly polar, at codon 1431 of the PLEC protein (p.Arg1431Trp). This variant is present in population databases (rs782370378, gnomAD 0.04%). This variant has not been reported in the literature in individuals affected with PLEC-related conditions. ClinVar contains an entry for this variant (Variation ID: 651142). Experimental studies and prediction algorithms are not available or were not evaluated, and the functional significance of this variant is currently unknown. In summary, the available evidence is currently insufficient to determine the role of this variant in disease. Therefore, it has been classified as a Variant of Uncertain Significance.

PreventionGenetics, part of Exact Sciences
Classification: Uncertain significance for PLEC-related condition. Last evaluated: 2024-12-13. Review status: criteria provided, single submitter. Criteria: ACMG Guidelines, 2015. Collection method: clinical testing. Allele origin: germline.
Comment: The PLEC c.4291C>T variant is predicted to result in the amino acid substitution p.Arg1431Trp. To our knowledge, this variant has not been reported in the literature. This variant is reported in 0.042% of alleles in individuals of East Asian descent in gnomAD. At this time, the clinical significance of this variant is uncertain due to the absence of conclusive functional and genetic evidence.

Revvity Omics, Revvity
Classification: Uncertain significance. Last evaluated: 2021-03-14. Review status: criteria provided, single submitter. Criteria: ACMG Guidelines, 2015. Collection method: clinical testing. Allele origin: germline.

CeGaT Center for Human Genetics Tuebingen
Classification: Uncertain significance. Last evaluated: 2020-01-01. Review status: criteria provided, single submitter. Criteria: CeGaT Center For Human Genetics Tuebingen Variant Classification Criteria Version 2. Collection method: clinical testing. Allele origin: germline. Affected: yes. Observed: 1 variant allele.